The following is an entry in ClinVar:

ClinVar aggregate classification (germline): Uncertain significance (1 of 4 stars; one submission).

Conditions:
Inborn genetic diseases. Identifiers: MedGen C0950123, MeSH D030342.

Submission:

Ambry Genetics
Classification: Uncertain significance for Inborn genetic diseases. Last evaluated: 2026-06-08. Review status: criteria provided, single submitter. Criteria: Ambry Variant Classification Scheme 2023. Collection method: clinical testing. Allele origin: germline.
Comment: The p.Q733H variant (also known as c.2199G>T), located in coding exon 13 of the ASXL1 gene, results from a G to T substitution at nucleotide position 2199. The glutamine at codon 733 is replaced by histidine, an amino acid with highly similar properties. This amino acid position is conserved. In addition, this alteration is predicted to be tolerated by in silico analysis. Based on the available evidence, the clinical significance of this variant remains unclear.

NM_015338.6(ASXL1):c.2199G>T (p.Gln733His)

Gene: ASXL1 (ASXL transcriptional regulator 1; plus strand). Cytogenetic location: 20q11.21.
Variant type: single nucleotide variant.
Coding change: c.2199G>T on transcript NM_015338.6 (MANE Select); coding-DNA position 2199, G replaced by T.
Protein change: p.Gln733His; replaces glutamine 733 with histidine.
Molecular consequence: missense variant.
Genome position (GRCh38, 1-based): chr20:32,434,911, G>T. VCF-style: chr20-32434911-G-T. GRCh37 (hg19) VCF-style: chr20-31022714-G-T.
Other names: c.2016G>T, p.Gln672His (NM_001363734.1); short protein forms Q672H, Q733H.
Identifiers: ClinVar variation 4864968 (VCV004864968.1).